The following is an entry in ClinVar:

ClinVar aggregate classification (germline): Conflicting classifications of pathogenicity. Review status: criteria provided, conflicting classifications (1 of 4 stars). 5 submissions from 5 submitters: Uncertain significance (3); Likely benign (2). Last evaluated 2026-02-01.

Conditions:
Inborn genetic diseases. Identifiers: MedGen C0950123, MeSH D030342.
Oculootoradial syndrome (IVIC). Also called: RADIAL RAY DEFECTS, HEARING IMPAIRMENT, EXTERNAL OPHTHALMOPLEGIA, AND THROMBOCYTOPENIA; IVIC syndrome. Identifiers: Orphanet 2307, MedGen C1327918, MONDO:0007836, OMIM 147750.
Duane-radial ray syndrome (DRRS). Also called: Okihiro Syndrome; ACRORENOOCULAR SYNDROME; Duane-Radial Ray Syndrome (DRRS) / Okihiro Syndrome; DR SYNDROME; DUANE ANOMALY WITH RADIAL RAY ABNORMALITIES AND DEAFNESS; Duane-Radial Ray Syndrome/Okihiro Syndrome. Identifiers: Orphanet 93293, Orphanet 959, MedGen C1623209, MONDO:0011812, OMIM 607323. Disease mechanism: gain of function.

Allele frequency attached by ClinVar (database versions not stated): ExAC 0.00003; TOPMed 0.00003; gnomAD 0.00004; gnomAD exomes 0.00004 and 0.00006; ESP Exome Variant Server 0.00015.

Submissions (5):

CeGaT Center for Human Genetics Tuebingen
Classification: Likely benign. Last evaluated: 2026-02-01. Review status: criteria provided, single submitter. Criteria: CeGaT Center For Human Genetics Tuebingen Variant Classification Criteria Version 2. Collection method: clinical testing. Allele origin: germline. Affected: yes. Observed: 4 variant alleles.
Comment: SALL4: BP4

Labcorp Genetics (formerly Invitae), Labcorp
Classification: Uncertain significance for Duane-radial ray syndrome. Last evaluated: 2025-03-31. Review status: criteria provided, single submitter. Criteria: Invitae Variant Classification Sherloc (09022015). Collection method: clinical testing. Allele origin: germline.
Comment: This sequence change replaces arginine, which is basic and polar, with tryptophan, which is neutral and slightly polar, at codon 68 of the SALL4 protein (p.Arg68Trp). This variant is present in population databases (rs202087308, gnomAD 0.007%). This variant has not been reported in the literature in individuals affected with SALL4-related conditions. ClinVar contains an entry for this variant (Variation ID: 872738). An algorithm developed to predict the effect of missense changes on protein structure and function (PolyPhen-2) suggests that this variant is likely to be disruptive. In summary, the available evidence is currently insufficient to determine the role of this variant in disease. Therefore, it has been classified as a Variant of Uncertain Significance.

Blueprint Genetics
Classification: Likely benign. Last evaluated: 2024-10-18. Review status: criteria provided, single submitter. Criteria: ACMG Guidelines, 2015. Collection method: clinical testing. Allele origin: germline.

Ambry Genetics
Classification: Uncertain significance for Inborn genetic diseases. Last evaluated: 2024-06-17. Review status: criteria provided, single submitter. Criteria: Ambry Variant Classification Scheme 2023. Collection method: clinical testing. Allele origin: germline.

Fulgent Genetics
Classification: Uncertain significance for Oculootoradial syndrome; Duane-radial ray syndrome. Last evaluated: 2022-04-29. Review status: criteria provided, single submitter. Criteria: ACMG Guidelines, 2015. Collection method: clinical testing. Allele origin: unknown.

NM_020436.5(SALL4):c.202C>T (p.Arg68Trp)

Gene: SALL4 (spalt like transcription factor 4; minus strand). Cytogenetic location: 20q13.2.
Variant type: single nucleotide variant.
Coding change: c.202C>T on transcript NM_020436.5 (MANE Select); coding-DNA position 202, C replaced by T.
Protein change: p.Arg68Trp; replaces arginine 68 with tryptophan.
Molecular consequence: missense variant.
Genome position (GRCh38, 1-based): chr20:51,792,281, G>A on the plus strand (C>T on the coding strand, the complement: SALL4 is on the minus strand). VCF-style: chr20-51792281-G-A. GRCh37 (hg19) VCF-style: chr20-50408820-G-A.
Other names: c.202C>T, p.Arg68Trp (NM_001318031.2); c.202C>T (NM_020436.3); short protein forms R68W.
Identifiers: ClinVar variation 872738 (VCV000872738.47), dbSNP rs202087308, ClinGen allele CA9912512.